The following is an entry in ClinVar:

ClinVar aggregate classification (germline): Uncertain significance (1 of 4 stars; one submission).

Allele frequency attached by ClinVar (database versions not stated): gnomAD exomes below 0.00001; TOPMed below 0.00001.
gnomAD v4.1: 2 of 1,614,128 alleles (0.00012%); highest among the groups gnomAD compares: Non-Finnish European, 0.00017%; no homozygotes.

Submission:

Labcorp Genetics (formerly Invitae), Labcorp
Classification: Uncertain significance. Last evaluated: 2024-12-09. Review status: criteria provided, single submitter. Criteria: Invitae Variant Classification Sherloc (09022015). Collection method: clinical testing. Allele origin: germline.
Comment: This sequence change replaces arginine, which is basic and polar, with glutamine, which is neutral and polar, at codon 3101 of the VPS13D protein (p.Arg3101Gln). This variant is not present in population databases (gnomAD no frequency). This variant has not been reported in the literature in individuals affected with VPS13D-related conditions. ClinVar contains an entry for this variant (Variation ID: 1954990). Invitae Evidence Modeling of protein sequence and biophysical properties (such as structural, functional, and spatial information, amino acid conservation, physicochemical variation, residue mobility, and thermodynamic stability) indicates that this missense variant is expected to disrupt VPS13D protein function with a positive predictive value of 80%. In summary, the available evidence is currently insufficient to determine the role of this variant in disease. Therefore, it has been classified as a Variant of Uncertain Significance.

NM_015378.4(VPS13D):c.9302G>A (p.Arg3101Gln)

Gene: VPS13D (vacuolar protein sorting 13 homolog D; plus strand). Cytogenetic location: 1p36.22.
Variant type: single nucleotide variant.
Coding change: c.9302G>A on transcript NM_015378.4 (MANE Select); coding-DNA position 9302, G replaced by A.
Protein change: p.Arg3101Gln; replaces arginine 3101 with glutamine.
Molecular consequence: missense variant.
Genome position (GRCh38, 1-based): chr1:12,349,245, G>A. VCF-style: chr1-12349245-G-A. GRCh37 (hg19) VCF-style: chr1-12409302-G-A.
Other names: c.9227G>A, p.Arg3076Gln (NM_018156.4); short protein forms R3076Q, R3101Q.
Identifiers: ClinVar variation 1954990 (VCV001954990.5), dbSNP rs1643743754, ClinGen allele CA338492488.